The following is an entry in ClinVar:

NM_138694.4(PKHD1):c.6333-1G>C

Gene: PKHD1 (PKHD1 ciliary IPT domain containing fibrocystin/polyductin; minus strand). Cytogenetic location: 6p12.2.
Variant type: single nucleotide variant.
Coding change: c.6333-1G>C on transcript NM_138694.4 (MANE Select); the canonical splice acceptor site of the intron before coding-DNA position 6333, G replaced by C.
Molecular consequence: splice acceptor variant.
Genome position (GRCh38, 1-based): chr6:51,911,957, C>G on the plus strand (G>C on the coding strand, the complement: PKHD1 is on the minus strand). VCF-style: chr6-51911957-C-G. GRCh37 (hg19) VCF-style: chr6-51776755-C-G.
Other names: c.6333-1G>C (NM_170724.3, NM_138694.3).
Identifiers: ClinVar variation 3640572 (VCV003640572.3).

ClinVar aggregate classification (germline): Likely pathogenic. Review status: criteria provided, multiple submitters, no conflicts (2 of 4 stars). 2 submissions from 2 submitters: Likely pathogenic (2). Last evaluated 2024-12-27.

Conditions:
Autosomal recessive polycystic kidney disease (ARPKD). Also called: AR polycystic kidney disease. Identifiers: Orphanet 731, Orphanet 8378, MedGen C0085548, MeSH D017044, MONDO:0009889.

Submissions (2):

Natera, Inc.
Classification: Likely pathogenic for Autosomal recessive polycystic kidney disease. Last evaluated: 2024-12-27. Review status: criteria provided, single submitter. Criteria: Natera Variant Classification Schema (03/2026). Collection method: clinical testing. Allele origin: germline.
Comment: The c.6333-1G>C variant in PKHD1 is a canonical splice acceptor site variant predicted to affect pre-mRNA splicing, which may result in an abnormal transcript and altered protein product. This variant is expected to result in nonsense mediated decay, truncation, or a dysfunctional protein product. This variant is rare in the general population with a frequency below the threshold expected for the associated phenotype(s). Given the available evidence, this variant is classified as Likely Pathogenic.

Labcorp Genetics (formerly Invitae), Labcorp
Classification: Likely pathogenic for Autosomal recessive polycystic kidney disease. Last evaluated: 2024-02-14. Review status: criteria provided, single submitter. Criteria: Invitae Variant Classification Sherloc (09022015). Collection method: clinical testing. Allele origin: germline.
Comment: This sequence change affects an acceptor splice site in intron 38 of the PKHD1 gene. It is expected to disrupt RNA splicing. Variants that disrupt the donor or acceptor splice site typically lead to a loss of protein function (PMID: 16199547), and loss-of-function variants in PKHD1 are known to be pathogenic (PMID: 19940839). This variant is not present in population databases (gnomAD no frequency). This variant has not been reported in the literature in individuals affected with PKHD1-related conditions. Algorithms developed to predict the effect of sequence changes on RNA splicing suggest that this variant may disrupt the consensus splice site. In summary, the currently available evidence indicates that the variant is pathogenic, but additional data are needed to prove that conclusively. Therefore, this variant has been classified as Likely Pathogenic.

Literature cited by the submitters: PubMed 16199547 (cited by Labcorp Genetics (formerly Invitae), Labcorp); PubMed 19940839 (cited by Labcorp Genetics (formerly Invitae), Labcorp).